The following is an entry in ClinVar:

ClinVar aggregate classification (germline): Uncertain significance (1 of 4 stars; one submission).

Allele frequency attached by ClinVar (database versions not stated): ESP Exome Variant Server 0.00008.
gnomAD v4.1: 153 of 1,614,064 alleles (0.0095%); highest among the groups gnomAD compares: Admixed American, 0.028%; no homozygotes.

Submission:

Labcorp Genetics (formerly Invitae), Labcorp
Classification: Uncertain significance. Last evaluated: 2025-09-02. Review status: criteria provided, single submitter. Criteria: Invitae Variant Classification Sherloc (09022015). Collection method: clinical testing. Allele origin: germline.
Comment: This sequence change replaces valine, which is neutral and non-polar, with isoleucine, which is neutral and non-polar, at codon 118 of the MAPKBP1 protein (p.Val118Ile). This variant is present in population databases (rs372271667, gnomAD 0.02%). This variant has not been reported in the literature in individuals affected with MAPKBP1-related conditions. ClinVar contains an entry for this variant (Variation ID: 1374982). An algorithm developed to predict the effect of missense changes on protein structure and function outputs the following: PolyPhen-2: "Benign". The isoleucine amino acid residue is found in multiple mammalian species, which suggests that this missense change does not adversely affect protein function. In summary, the available evidence is currently insufficient to determine the role of this variant in disease. Therefore, it has been classified as a Variant of Uncertain Significance.

NM_014994.3(MAPKBP1):c.352G>A (p.Val118Ile)

Gene: MAPKBP1 (mitogen-activated protein kinase binding protein 1; plus strand). Cytogenetic location: 15q15.1.
Variant type: single nucleotide variant.
Coding change: c.352G>A on transcript NM_014994.3 (MANE Select); coding-DNA position 352, G replaced by A.
Protein change: p.Val118Ile; replaces valine 118 with isoleucine.
Molecular consequence: missense variant. On other transcripts: non-coding transcript variant (2).
Genome position (GRCh38, 1-based): chr15:41,811,981, G>A. VCF-style: chr15-41811981-G-A. GRCh37 (hg19) VCF-style: chr15-42104179-G-A.
Other names: c.352G>A, p.Val118Ile (NM_001128608.2, NM_001265611.2); short protein forms V118I.
Identifiers: ClinVar variation 1374982 (VCV001374982.8), dbSNP rs372271667, ClinGen allele CA7497539.